The following is an entry in ClinVar:

NM_005560.6(LAMA5):c.6228C>T (p.Ala2076=)

Gene: LAMA5 (laminin subunit alpha 5; minus strand). Cytogenetic location: 20q13.33.
Variant type: single nucleotide variant.
Coding change: c.6228C>T on transcript NM_005560.6 (MANE Select); coding-DNA position 6228, C replaced by T.
Protein change: p.Ala2076=; no amino-acid change (alanine 2076 retained).
Molecular consequence: synonymous variant.
Genome position (GRCh38, 1-based): chr20:62,322,387, G>A on the plus strand (C>T on the coding strand, the complement: LAMA5 is on the minus strand). VCF-style: chr20-62322387-G-A. GRCh37 (hg19) VCF-style: chr20-60897443-G-A.
Other names: c.6228C>T (NM_005560.4).
Identifiers: ClinVar variation 2165643 (VCV002165643.6), dbSNP rs2274935, ClinGen allele CA9941839.

ClinVar aggregate classification (germline): Likely benign. Review status: criteria provided, single submitter (1 of 4 stars). 2 submissions from 2 submitters: Likely benign (1). 1 of the submissions does not count toward it. Last evaluated 2022-09-17.

Conditions:
LAMA5-related disorder. Also called: LAMA5-related condition; LAMA5-Related Disorders.

Allele frequency attached by ClinVar (database versions not stated): gnomAD exomes 0.00005; TOPMed 0.00008; gnomAD 0.00011; ExAC 0.00026; 1000 Genomes Project 30x 0.00047; 1000 Genomes Project 0.00060.
gnomAD v4.1: 98 of 1,592,052 alleles (0.0062%); highest among the groups gnomAD compares: East Asian, 0.089%; 1 homozygote.

Submissions (2):

Labcorp Genetics (formerly Invitae), Labcorp
Classification: Likely benign. Last evaluated: 2022-09-17. Review status: criteria provided, single submitter. Criteria: Invitae Variant Classification Sherloc (09022015). Collection method: clinical testing. Allele origin: germline.

PreventionGenetics, part of Exact Sciences
Classification: Likely benign for LAMA5-related condition. Last evaluated: 2023-03-23. Review status: no assertion criteria provided. Collection method: clinical testing. Allele origin: germline. Not counted in ClinVar's aggregate classification.
Comment: This variant is classified as likely benign based on ACMG/AMP sequence variant interpretation guidelines (Richards et al. 2015 PMID: 25741868, with internal and published modifications).